The following is an entry in ClinVar:

NM_016589.4(TIMMDC1):c.797T>G (p.Ile266Ser)

Gene: TIMMDC1 (translocase of inner mitochondrial membrane domain containing 1; plus strand). Cytogenetic location: 3q13.33.
Variant type: single nucleotide variant.
Coding change: c.797T>G on transcript NM_016589.4 (MANE Select); coding-DNA position 797, T replaced by G.
Protein change: p.Ile266Ser; replaces isoleucine 266 with serine.
Molecular consequence: missense variant.
Genome position (GRCh38, 1-based): chr3:119,523,695, T>G. VCF-style: chr3-119523695-T-G. GRCh37 (hg19) VCF-style: chr3-119242542-T-G.
Other names: c.797T>G (NM_016589.3); short protein forms I266S.
Identifiers: ClinVar variation 1405795 (VCV001405795.9), dbSNP rs771098508, ClinGen allele CA2555376.

ClinVar aggregate classification (germline): Uncertain significance. Review status: criteria provided, multiple submitters, no conflicts (2 of 4 stars). 2 submissions from 2 submitters: Uncertain significance (2). Last evaluated 2025-11-03.

Allele frequency attached by ClinVar (database versions not stated): TOPMed 0.00001.
gnomAD v4.1: 70 of 1,613,424 alleles (0.0043%); highest among the groups gnomAD compares: Non-Finnish European, 0.0057%; no homozygotes.

Submissions (2):

Ambry Genetics
Classification: Uncertain significance. Last evaluated: 2025-11-03. Review status: criteria provided, single submitter. Criteria: Ambry Variant Classification Scheme 2023. Collection method: clinical testing. Allele origin: germline.

Labcorp Genetics (formerly Invitae), Labcorp
Classification: Uncertain significance. Last evaluated: 2024-12-15. Review status: criteria provided, single submitter. Criteria: Invitae Variant Classification Sherloc (09022015). Collection method: clinical testing. Allele origin: germline.
Comment: This sequence change replaces isoleucine, which is neutral and non-polar, with serine, which is neutral and polar, at codon 266 of the TIMMDC1 protein (p.Ile266Ser). This variant is present in population databases (rs771098508, gnomAD 0.008%). This variant has not been reported in the literature in individuals affected with TIMMDC1-related conditions. ClinVar contains an entry for this variant (Variation ID: 1405795). An algorithm developed to predict the effect of missense changes on protein structure and function (PolyPhen-2) suggests that this variant is likely to be disruptive. In summary, the available evidence is currently insufficient to determine the role of this variant in disease. Therefore, it has been classified as a Variant of Uncertain Significance.